The following is an entry in ClinVar:

ClinVar aggregate classification (germline): Conflicting classifications of pathogenicity. Review status: criteria provided, conflicting classifications (1 of 4 stars). 8 submissions from 8 submitters: Pathogenic (4); Likely pathogenic (1); Uncertain significance (1). 2 of the submissions do not count toward it. Last evaluated 2025-01-06.

Conditions:
GALC-related disorder. Also called: GALC-related condition.
Galactosylceramide beta-galactosidase deficiency. Also called: GALACTOCEREBROSIDASE DEFICIENCY; GALC DEFICIENCY; GLOBOID CELL LEUKOENCEPHALOPATHY; Krabbe Disease; Leukodystrophy, Globoid Cell. Identifiers: Orphanet 487, MedGen C0023521, MONDO:0009499, OMIM 245200.

Allele frequency attached by ClinVar (database versions not stated): TOPMed 0.00002; gnomAD exomes 0.00006.
gnomAD v4.1: 44 of 1,553,212 alleles (0.0028%); highest among the groups gnomAD compares: East Asian, 0.017%; no homozygotes.

Submissions (8):

Natera, Inc.
Classification: Pathogenic for Galactosylceramide beta-galactosidase deficiency. Last evaluated: 2025-01-06. Review status: criteria provided, single submitter. Criteria: Natera Variant Classification Schema (03/2026). Collection method: clinical testing. Allele origin: germline.
Comment: The c.136G>T variant in GALC is a missense variant predicted to cause substitution of aspartic acid to tyrosine at amino acid 46. This variant is rare in the general population with a frequency below the threshold expected for the associated phenotype(s). This variant has been observed in one or more individuals affected with the associated recessive disease, as either homozygous or compound heterozygous with a second variant (PMID: 28598007). Given the available evidence, this variant is classified as Pathogenic.

Labcorp Genetics (formerly Invitae), Labcorp
Classification: Pathogenic for Galactosylceramide beta-galactosidase deficiency. Last evaluated: 2024-05-12. Review status: criteria provided, single submitter. Criteria: Invitae Variant Classification Sherloc (09022015). Collection method: clinical testing. Allele origin: germline.
Comment: This sequence change replaces aspartic acid, which is acidic and polar, with tyrosine, which is neutral and polar, at codon 46 of the GALC protein (p.Asp46Tyr). This variant is present in population databases (rs751975987, gnomAD 0.06%). This missense change has been observed in individual(s) with Krabbe disease (PMID: 24078576, 28598007, 31185936; externalcommunication). In at least one individual the data is consistent with being in trans (on the opposite chromosome) from a pathogenic variant. It has also been observed to segregate with disease in related individuals. ClinVar contains an entry for this variant (Variation ID: 633229). Advanced modeling of protein sequence and biophysical properties (such as structural, functional, and spatial information, amino acid conservation, physicochemical variation, residue mobility, and thermodynamic stability) performed at Invitae indicates that this missense variant is expected to disrupt GALC protein function with a positive predictive value of 95%. For these reasons, this variant has been classified as Pathogenic.

Blueprint Genetics
Classification: Uncertain significance. Last evaluated: 2024-04-10. Review status: criteria provided, single submitter. Criteria: ACMG Guidelines, 2015. Collection method: clinical testing. Allele origin: germline.

3billion
Classification: Pathogenic for Galactosylceramide beta-galactosidase deficiency. Last evaluated: 2022-01-03. Review status: criteria provided, single submitter. Criteria: ACMG Guidelines, 2015. Collection method: clinical testing. Allele origin: germline. Affected: yes. Observed: 1 heterozygote.
Comment: The variant was co-segregated with Krabbe disease in multiple affected family members (PMID: 31185936, PP1_P). In silico tool predictions suggest damaging effect of the variant on gene or gene product (REVEL: 0.841, PP3_P). It is observed at an extremely low frequency in the gnomAD v2.1.1 dataset (total allele frequency: 0.000059, PM2_M). Same nucleotide change resulting in same amino acid change has been previously reported as pathogenic/likely pathogenic with strong evidence (ClinVar ID: VCV000633229, PMID:24078576, PS1_S). The variant has been reported to be in trans with a pathogenic variant as either compound heterozygous or homozygous in at least 2 similarly affected unrelated individuals(PMID: 25265039, 28598007, PM3_S). Therefore, this variant is classified as pathogenic according to the recommendation of ACMG/AMP guideline.

Women's Health and Genetics/Laboratory Corporation of America, LabCorp
Classification: Pathogenic for Galactosylceramide beta-galactosidase deficiency. Last evaluated: 2017-12-04. Review status: criteria provided, single submitter. Criteria: LabCorp Variant Classification Summary - May 2015. Collection method: clinical testing. Allele origin: germline.
Comment: Variant summary: The GALC c.136G>T (p.Asp46Tyr) variant involves the alteration of a conserved nucleotide. 5/5 in silico tools predict a damaging outcome for this variant. This variant was found in 9/149232 control chromosomes at a frequency of 0.0000603, which does not exceed the estimated maximal expected allele frequency of a pathogenic GALC variant (0.0022361). The variant was reported in several patients in compound heterozygosity with at least two likely pathogenic/pathogenic mutations and biochemical findings suggestive of Krabbe disease (Pchelina_2014; Zhao_2017). Per latest published reports, c.136G>T is associated with a mild clinical course of disease (Zhao_2017). Taken together, this variant is classified as Pathogenic.

Juno Genomics, Hangzhou Juno Genomics, Inc
Classification: Likely pathogenic for Galactosylceramide beta-galactosidase deficiency. Review status: criteria provided, single submitter. Criteria: ACMG Guidelines, 2015. Collection method: clinical testing. Allele origin: germline.
Comment: Absent from controls (or at extremely low frequency if recessive) in Genome Aggregation Database.;Multiple lines of computational evidence support a deleterious effect on the gene or gene product.;For recessive disorders, detected in trans with a pathogenic variant.;Co-segregation with disease in multiple affected family members.

PreventionGenetics, part of Exact Sciences
Classification: Pathogenic for GALC-related condition. Last evaluated: 2024-08-01. Review status: no assertion criteria provided. Collection method: clinical testing. Allele origin: germline. Not counted in ClinVar's aggregate classification.
Comment: The GALC c.136G>T variant is predicted to result in the amino acid substitution p.Asp46Tyr. This variant has been reported in the compound heterozygous state in several individuals with Krabbe disease with the age of onset ranging from late-infantile to juvenile (Zhaung et al. 2019. PubMed ID: 31185936; Zhao et al. 2018. PubMed ID: 28598007; Pchelina et al. 2014. PubMed ID: 25265039). Individuals with this variant tend to have a milder clinical course of disease (Zhao et al. 2018. PubMed ID: 28598007; Zhaung et al. 2019. PubMed ID: 31185936). This variant has also been reported in the heterozygous state along with two benign polymorphisms in GALC in another individual with Krabbe disease (Da et al. 2013. PubMed ID: 24078576). This variant is reported in 0.061% of alleles in individuals of East Asian descent in gnomAD and interpreted as pathogenic in Clinvar. This variant is interpreted as pathogenic.

Solve-RD Consortium
Classification: Likely pathogenic for Galactosylceramide beta-galactosidase deficiency. Last evaluated: 2022-06-01. Review status: no assertion criteria provided. Collection method: provider interpretation. Allele origin: inherited. Affected: yes. Not counted in ClinVar's aggregate classification.
Comment: Variant confirmed as disease-causing by referring clinical team

Variant identified during reanalysis of unsolved cases by the Solve-RD project. The Solve-RD project has received funding from the European Union’s Horizon 2020 research and innovation programme under grant agreement No 779257.

Literature cited by the submitters: PubMed 28598007 (cited by 4 submitters); PubMed 24078576 (cited by Labcorp Genetics (formerly Invitae), Labcorp and 3billion); PubMed 31185936 (cited by Labcorp Genetics (formerly Invitae), Labcorp and 3billion); PubMed 25265039 (cited by 3billion and Women's Health and Genetics/Laboratory Corporation of America, LabCorp); PubMed 39825153 (cited by Solve-RD Consortium).

NM_000153.4(GALC):c.136G>T (p.Asp46Tyr)

Genes: GALC (galactosylceramidase; minus strand), LOC130056217 (ATAC-STARR-seq lymphoblastoid silent region 5988; plus strand). Cytogenetic location: 14q31.3.
Variant type: single nucleotide variant.
Coding change: c.136G>T on transcript NM_000153.4 (MANE Select); coding-DNA position 136, G replaced by T.
Protein change: p.Asp46Tyr; replaces aspartic acid 46 with tyrosine.
Molecular consequence: missense variant. On other transcripts: intron variant (1).
Genome position (GRCh38, 1-based): chr14:87,993,029, C>A on the plus strand (G>T on the coding strand, the complement: GALC is on the minus strand). VCF-style: chr14-87993029-C-A. GRCh37 (hg19) VCF-style: chr14-88459373-C-A.
Other names: c.136G>T, p.Asp46Tyr (NM_001201401.2); c.117+354G>T (NM_001201402.2); short protein forms D46Y.
Identifiers: ClinVar variation 633229 (VCV000633229.21), dbSNP rs751975987, ClinGen allele CA7297497.